The following is an entry in ClinVar:

NM_000092.5(COL4A4):c.1098A>G (p.Lys366=)

Gene: COL4A4 (collagen type IV alpha 4 chain; minus strand). Cytogenetic location: 2q36.3.
Variant type: single nucleotide variant.
Coding change: c.1098A>G on transcript NM_000092.5 (MANE Select); coding-DNA position 1098, A replaced by G.
Protein change: p.Lys366=; no amino-acid change (lysine 366 retained).
Molecular consequence: synonymous variant.
Genome position (GRCh38, 1-based): chr2:227,099,621, T>C on the plus strand (A>G on the coding strand, the complement: COL4A4 is on the minus strand). VCF-style: chr2-227099621-T-C. GRCh37 (hg19) VCF-style: chr2-227964337-T-C.
Identifiers: ClinVar variation 1038479 (VCV001038479.13), dbSNP rs1305609812, ClinGen allele CA431500862.

ClinVar aggregate classification (germline): Conflicting classifications of pathogenicity. Review status: criteria provided, conflicting classifications (1 of 4 stars). 5 submissions from 5 submitters: Likely pathogenic (1); Uncertain significance (3). 1 of the submissions does not count toward it. Last evaluated 2025-02-22.

Conditions:
Autosomal recessive Alport syndrome (ATS2). Also called: COL4A3-Related Nephropathy; ALPORT SYNDROME 2, AUTOSOMAL RECESSIVE; COL4A4 Alport Syndrome and Thin Basement Membrane Nephropathy; Alport syndrome type 2. Identifiers: Orphanet 63, Orphanet 88919, MedGen C4746745, MONDO:0008762, OMIM 203780.
Hematuria, benign familial, 1 (BFH1). Also called: THIN MEMBRANE NEPHROPATHY. Identifiers: MedGen CN376803, MONDO:0007709, OMIM 141200.
Microscopic hematuria. Also called: Microhematuria. Identifiers: MedGen C0239937, HP:0002907.
COL4A4-related disorder.

Allele frequency attached by ClinVar (database versions not stated): gnomAD exomes below 0.00001.
gnomAD v4.1: 1 of 1,613,890 alleles (0.000062%); highest among the groups gnomAD compares: Admixed American, 0.0017%; no homozygotes.

Submissions (5):

Labcorp Genetics (formerly Invitae), Labcorp
Classification: Uncertain significance. Last evaluated: 2025-02-22. Review status: criteria provided, single submitter. Criteria: Invitae Variant Classification Sherloc (09022015). Collection method: clinical testing. Allele origin: germline.
Comment: This sequence change affects codon 366 of the COL4A4 mRNA. It is a 'silent' change, meaning that it does not change the encoded amino acid sequence of the COL4A4 protein. It affects a nucleotide within the consensus splice site. This variant is present in population databases (no rsID available, gnomAD 0.003%). This variant has been observed in individual(s) with clinical features of Alport syndrome (internal data). ClinVar contains an entry for this variant (Variation ID: 1038479). Algorithms developed to predict the effect of sequence changes on RNA splicing suggest that this variant may disrupt the consensus splice site. In summary, the available evidence is currently insufficient to determine the role of this variant in disease. Therefore, it has been classified as a Variant of Uncertain Significance.

GeneDx
Classification: Uncertain significance. Last evaluated: 2025-02-20. Review status: criteria provided, single submitter. Criteria: GeneDx Variant Classification Process June 2021. Collection method: clinical testing. Allele origin: germline. Affected: yes.
Comment: Not observed at significant frequency in large population cohorts (gnomAD); Has not been previously published as pathogenic or benign to our knowledge; In silico analysis is inconclusive as to whether the variant alters gene splicing. In the absence of RNA/functional studies, the actual effect of this sequence change is unknown.

Fulgent Genetics
Classification: Likely pathogenic for Hematuria, benign familial, 1; Autosomal recessive Alport syndrome. Last evaluated: 2024-03-20. Review status: criteria provided, single submitter. Criteria: ACMG Guidelines, 2015. Collection method: clinical testing. Allele origin: germline.

UNC Molecular Genetics  Laboratory, University of North Carolina at Chapel Hill
Classification: Uncertain significance for Microscopic hematuria. Last evaluated: 2021-04-22. Review status: criteria provided, single submitter. Criteria: ACMG Guidelines, 2015. Collection method: clinical testing. Allele origin: germline. Affected: yes. Observed: 1 heterozygote.

PreventionGenetics, part of Exact Sciences
Classification: Uncertain significance for COL4A4-related condition. Last evaluated: 2024-07-12. Review status: no assertion criteria provided. Collection method: clinical testing. Allele origin: germline. Not counted in ClinVar's aggregate classification.
Comment: The COL4A4 c.1098A>G variant is not predicted to result in an amino acid change (p.=). This variant is predicted to alter splicing based on available splicing prediction programs (SpliceAI, Jaganathan et al. 2019. PubMed ID: 30661751). However, the use of computer prediction programs is not equivalent to functional evidence. To our knowledge, this variant has not been reported in the literature. This variant is reported in 0.0029% of alleles in individuals of Latino descent in gnomAD. At this time, the clinical significance of this variant is uncertain due to the absence of conclusive functional and genetic evidence.